The following is an entry in ClinVar:

ClinVar aggregate classification (germline): Likely benign (0 of 4 stars; one submission).

Conditions:
TECTA-related disorder. Also called: TECTA-related condition.

Allele frequency attached by ClinVar (database versions not stated): gnomAD 0.00003.
gnomAD v4.1: 45 of 1,614,006 alleles (0.0028%); highest among the groups gnomAD compares: East Asian, 0.02%; no homozygotes.

Submission:

PreventionGenetics, part of Exact Sciences
Classification: Likely benign for TECTA-related condition. Last evaluated: 2019-05-28. Review status: no assertion criteria provided. Collection method: clinical testing. Allele origin: germline.
Comment: This variant is classified as likely benign based on ACMG/AMP sequence variant interpretation guidelines (Richards et al. 2015 PMID: 25741868, with internal and published modifications).

NM_005422.4(TECTA):c.249G>A (p.Thr83=)

Genes: TBCEL-TECTA (TBCEL-TECTA readthrough; plus strand), TECTA (tectorin alpha; plus strand). Cytogenetic location: 11q23.3.
Variant type: single nucleotide variant.
Coding change: c.249G>A on transcript NM_005422.4 (MANE Select); coding-DNA position 249, G replaced by A.
Protein change: p.Thr83=; no amino-acid change (threonine 83 retained).
Molecular consequence: synonymous variant.
Genome position (GRCh38, 1-based): chr11:121,109,261, G>A. VCF-style: chr11-121109261-G-A. GRCh37 (hg19) VCF-style: chr11-120979970-G-A.
Other names: c.1206G>A, p.Thr402= (NM_001378761.1).
Identifiers: ClinVar variation 3044928 (VCV003044928.2), dbSNP rs770214966, ClinGen allele CA6326459.